The following is an entry in ClinVar:

ClinVar aggregate classification (germline): Pathogenic. Review status: criteria provided, multiple submitters, no conflicts (2 of 4 stars). 3 submissions from 3 submitters: Pathogenic (3). Last evaluated 2023-04-04.

Conditions:
Hereditary cancer-predisposing syndrome. Also called: Hereditary Cancer Syndrome; Neoplastic Syndromes, Hereditary; Hereditary neoplastic syndrome; Tumor predisposition. Identifiers: Orphanet 140162, MedGen C0027672, MeSH D009386, MONDO:0015356.
Lynch syndrome 5 (LYNCH5). Also called: Hereditary non-polyposis colorectal cancer, type 5; Colorectal cancer, hereditary nonpolyposis, type 5. Identifiers: Orphanet 144, MedGen C1833477, MONDO:0013710, OMIM 614350. Disease mechanism: loss of function.

Submissions (3):

Genetics and Molecular Pathology, SA Pathology
Classification: Pathogenic for Lynch syndrome 5. Last evaluated: 2023-04-04. Review status: criteria provided, single submitter. Criteria: ACMG Guidelines, 2015. Collection method: clinical testing. Allele origin: germline. Inheritance: Autosomal dominant inheritance. Affected: yes.
Comment: The MSH6 c.2281_2282del variant is classified as Pathogenic (PVS1, PM2, PP4) The MSH6 c.2281_2282del variant is located in exon 4/10 and is predicted to cause a shift in the reading frame at codon 761, introducing a premature termination codon 2 amino acids downstream (PVS1). This variant is absent from population databases (PM2). The clinical features of this case are highly specific for MSH6 and the patient has a well-defined syndrome with little overlap with other clinical presentations as the patient’s tumour has LOE MSH6 (PP4). The variant has been reported in dbSNP (rs1114167721) and has been reported as Pathogenic by other diagnostic laboratories (ClinVar Variation ID: 428330). It has not been reported in HGMD.

Ambry Genetics
Classification: Pathogenic for Hereditary cancer-predisposing syndrome. Last evaluated: 2018-03-20. Review status: criteria provided, single submitter. Criteria: Ambry Variant Classification Scheme 2023. Collection method: clinical testing. Allele origin: germline.
Comment: The c.2281_2282delAG pathogenic mutation, located in coding exon 4 of the MSH6 gene, results from a deletion of two nucleotides at nucleotide positions 2281 to 2282, causing a translational frameshift with a predicted alternate stop codon. This alteration is expected to result in loss of function by premature protein truncation or nonsense-mediated mRNA decay. As such, this alteration is interpreted as a disease-causing mutation.

ARUP Laboratories, Molecular Genetics and Genomics, ARUP Laboratories
Classification: Pathogenic. Last evaluated: 2017-07-07. Review status: criteria provided, single submitter. Criteria: ARUP Molecular Germline Variant Investigation Process. Collection method: clinical testing. Allele origin: germline.

NM_000179.3(MSH6):c.2281_2282del (p.Arg761fs)

Gene: MSH6 (mutS homolog 6; plus strand). Cytogenetic location: 2p16.3.
Variant type: Microsatellite.
Coding change: c.2281_2282del on transcript NM_000179.3 (MANE Select); coding-DNA positions 2281 to 2282, 2 bases deleted (AG; older notation c.2281_2282delAG).
Protein change: p.Arg761fs; shifts the reading frame from arginine 761.
Molecular consequence: frameshift variant.
Genome position (GRCh38, 1-based): chr2:47,800,264-47,800,265, AG deleted; deleting any 2 consecutive bases within chr2:47,800,260-47,800,265 gives the same sequence; the c. name uses the placement nearest the transcript's 3' end. VCF-style (leftmost placement, unchanged base first): chr2-47800259-TAG-T. GRCh37 (hg19) VCF-style: chr2-48027398-TAG-T.
Other names: c.1891_1892del, p.Arg631fs (NM_001281492.2); c.1375_1376del, p.Arg459fs (NM_001281493.2, NM_001281494.2); c.2281_2282delAG (NM_000179.2, NM_000179.3); c.1375_1376delAG (NM_001281493.1); short protein forms R459fs, R761fs, R631fs.
Identifiers: ClinVar variation 428330 (VCV000428330.11), dbSNP rs1114167721, ClinGen allele CA645369262.